The following is an entry in ClinVar:

NM_001367624.2(ZNF469):c.3565C>A (p.Pro1189Thr)

Gene: ZNF469 (zinc finger protein 469; plus strand). Cytogenetic location: 16q24.2.
Variant type: single nucleotide variant.
Coding change: c.3565C>A on transcript NM_001367624.2 (MANE Select); coding-DNA position 3565, C replaced by A.
Protein change: p.Pro1189Thr; replaces proline 1189 with threonine.
Molecular consequence: missense variant.
Genome position (GRCh38, 1-based): chr16:88,431,035, C>A. VCF-style: chr16-88431035-C-A. GRCh37 (hg19) VCF-style: chr16-88497443-C-A.
Other names: NM_001127464.1:c.3481C>A; NM_001127464.2:c.3481C>A; short protein forms P1189T.
Identifiers: ClinVar variation 320910 (VCV000320910.52), dbSNP rs766878740, ClinGen allele CA8224869.

ClinVar aggregate classification (germline): Conflicting classifications of pathogenicity. Review status: criteria provided, conflicting classifications (1 of 4 stars). 6 submissions from 6 submitters: Uncertain significance (4); Likely benign (2). Last evaluated 2026-02-04.

Conditions:
Cardiovascular phenotype. Identifiers: MedGen CN230736.
Ehlers-Danlos syndrome (EDS). Identifiers: Orphanet 98249, MedGen C0013720, MONDO:0020066.

Allele frequency attached by ClinVar (database versions not stated): ExAC below 0.00001; gnomAD exomes 0.00012; TOPMed 0.00014.
gnomAD v4.1: 102 of 1,546,846 alleles (0.0066%); highest among the groups gnomAD compares: Non-Finnish European, 0.0086%; no homozygotes.

Submissions (6):

Women's Health and Genetics/Laboratory Corporation of America, LabCorp
Classification: Uncertain significance. Last evaluated: 2026-02-04. Review status: criteria provided, single submitter. Criteria: LabCorp Variant Classification Summary - May 2015. Collection method: clinical testing. Allele origin: germline.
Comment: Variant summary: ZNF469 c.3565C>A (p.Pro1189Thr) results in a non-conservative amino acid change in the encoded protein sequence. Algorithms developed to predict the effect of missense changes on protein structure and function are either unavailable or do not agree on the potential impact of this missense change. The variant allele was found at a frequency of 0.00012 in 146190 control chromosomes. This frequency is not significantly higher than estimated for disease-causing variants in ZNF469, allowing no conclusion about variant significance. To our knowledge, no occurrence of c.3565C>A in individuals affected with ZNF469-related conditions and no experimental evidence demonstrating its impact on protein function have been reported. ClinVar contains an entry for this variant (Variation ID: 320910). Based on the evidence outlined above, the variant was classified as uncertain significance.

Ambry Genetics
Classification: Likely benign for Cardiovascular phenotype. Last evaluated: 2023-07-07. Review status: criteria provided, single submitter. Criteria: Ambry Variant Classification Scheme 2023. Collection method: clinical testing. Allele origin: germline.

Labcorp Genetics (formerly Invitae), Labcorp
Classification: Uncertain significance. Last evaluated: 2022-09-01. Review status: criteria provided, single submitter. Criteria: Invitae Variant Classification Sherloc (09022015). Collection method: clinical testing. Allele origin: germline.
Comment: This sequence change replaces proline, which is neutral and non-polar, with threonine, which is neutral and polar, at codon 1161 of the ZNF469 protein (p.Pro1161Thr). This variant is present in population databases (rs766878740, gnomAD 0.03%). This variant has not been reported in the literature in individuals affected with ZNF469-related conditions. ClinVar contains an entry for this variant (Variation ID: 320910). Algorithms developed to predict the effect of missense changes on protein structure and function are either unavailable or do not agree on the potential impact of this missense change (SIFT: "Tolerated"; PolyPhen-2: "Probably Damaging"; Align-GVGD: "Class C0"). In summary, the available evidence is currently insufficient to determine the role of this variant in disease. Therefore, it has been classified as a Variant of Uncertain Significance.

CeGaT Center for Human Genetics Tuebingen
Classification: Likely benign. Last evaluated: 2022-05-01. Review status: criteria provided, single submitter. Criteria: CeGaT Center For Human Genetics Tuebingen Variant Classification Criteria Version 2. Collection method: clinical testing. Allele origin: germline. Affected: yes. Observed: 2 variant alleles.
Comment: ZNF469: BP4

Genome Diagnostics Laboratory, The Hospital for Sick Children
Classification: Uncertain significance for Ehlers-Danlos syndrome. Last evaluated: 2022-03-17. Review status: criteria provided, single submitter. Criteria: ACMG Guidelines, 2015. Collection method: clinical testing. Allele origin: germline.

GeneDx
Classification: Uncertain significance. Last evaluated: 2019-08-30. Review status: criteria provided, single submitter. Criteria: GeneDx Variant Classification Process June 2021. Collection method: clinical testing. Allele origin: germline. Affected: yes.
Comment: In silico analysis, which includes protein predictors and evolutionary conservation, supports that this variant does not alter protein structure/function; Has not been previously published as pathogenic or benign to our knowledge

Literature cited by the submitters: PubMed 29228253 (cited by Ambry Genetics).